The following is an entry in ClinVar:

ClinVar aggregate classification (germline): Uncertain significance (1 of 4 stars; one submission).

Conditions:
Walker-Warburg congenital muscular dystrophy. Also called: Muscular dystrophy-dystroglycanopathy, type A; Walker-Warburg syndrome. Identifiers: Orphanet 899, MedGen C0265221, MONDO:0000171.

Submission:

Labcorp Genetics (formerly Invitae), Labcorp
Classification: Uncertain significance for Walker-Warburg congenital muscular dystrophy. Last evaluated: 2021-03-22. Review status: criteria provided, single submitter. Criteria: Invitae Variant Classification Sherloc (09022015). Collection method: clinical testing. Allele origin: germline.
Comment: Algorithms developed to predict the effect of missense changes on protein structure and function are either unavailable or do not agree on the potential impact of this missense change (SIFT: "Tolerated"; PolyPhen-2: "Probably Damaging"; Align-GVGD: "Class C0"). This variant disrupts the p.Glu55 amino acid residue in FKRP. Other variant(s) that disrupt this residue have been observed in individuals with FKRP-related conditions (PMID: 18639457), which suggests that this may be a clinically significant amino acid residue. In summary, the available evidence is currently insufficient to determine the role of this variant in disease. Therefore, it has been classified as a Variant of Uncertain Significance. This variant has been observed in individual(s) with clinical features of limb-girdle muscular dystrophy (Invitae). It has also been observed to segregate with disease in related individuals. This sequence change replaces glutamic acid with lysine at codon 55 of the FKRP protein (p.Glu55Lys). The glutamic acid residue is highly conserved and there is a small physicochemical difference between glutamic acid and lysine. This variant is not present in population databases (ExAC no frequency).

Literature cited by the submitters: PubMed 18639457.

NM_024301.5(FKRP):c.163G>A (p.Glu55Lys)

Gene: FKRP (fukutin related protein; plus strand). Cytogenetic location: 19q13.32.
Variant type: single nucleotide variant.
Coding change: c.163G>A on transcript NM_024301.5 (MANE Select); coding-DNA position 163, G replaced by A.
Protein change: p.Glu55Lys; replaces glutamic acid 55 with lysine.
Molecular consequence: missense variant.
Genome position (GRCh38, 1-based): chr19:46,755,613, G>A. VCF-style: chr19-46755613-G-A. GRCh37 (hg19) VCF-style: chr19-47258870-G-A.
Other names: c.163G>A, p.Glu55Lys (NM_001039885.3); short protein forms E55K.
Identifiers: ClinVar variation 1476891 (VCV001476891.8), dbSNP rs2122609947, ClinGen allele CA406494779.